The following is an entry in ClinVar:

NM_022455.5(NSD1):c.1046_1048delinsT (p.Thr349fs)

Gene: NSD1 (nuclear receptor binding SET domain protein 1; plus strand). Cytogenetic location: 5q35.3.
Variant type: Indel.
Coding change: c.1046_1048delinsT on transcript NM_022455.5 (MANE Select); coding-DNA positions 1046 to 1048, CAC replaced by T.
Protein change: p.Thr349fs; shifts the reading frame from threonine 349.
Molecular consequence: frameshift variant.
Genome position (GRCh38, 1-based): chr5:177,192,002-177,192,004, CAC replaced by T. VCF-style: chr5-177192002-CAC-T. GRCh37 (hg19) VCF-style: chr5-176619003-CAC-T.
Other names: c.173_175delCACinsT, p.Thr58Ilefs (NM_001365684.2, NM_001409305.1, NM_001409306.1 and 4 more transcripts); c.1046_1048delCACinsT, p.Thr349Ilefs (NM_001409301.1, NM_001409302.1, NM_001409303.1 and 1 more transcripts); c.626_628delCACinsT, p.Thr209Ilefs (NM_001409304.1); short protein forms T80fs, T349fs.
Identifiers: ClinVar variation 664693 (VCV000664693.4), dbSNP rs1581254366, ClinGen allele CA915942718.

ClinVar aggregate classification (germline): Pathogenic (1 of 4 stars; one submission).

Submission:

Labcorp Genetics (formerly Invitae), Labcorp
Classification: Pathogenic. Last evaluated: 2019-09-06. Review status: criteria provided, single submitter. Criteria: Invitae Variant Classification Sherloc (09022015). Collection method: clinical testing. Allele origin: germline.
Comment: This variant has not been reported in the literature in individuals with NSD1-related disease. This variant is not present in population databases (ExAC no frequency). This sequence change creates a premature translational stop signal (p.Thr349Ilefs*25) in the NSD1 gene. It is expected to result in an absent or disrupted protein product. Loss-of-function variants in NSD1 are known to be pathogenic (PMID: 12464997, 14571271, 15942875, 16247291). For these reasons, this variant has been classified as Pathogenic.

Literature cited by the submitters: PubMed 12464997; PubMed 14571271; PubMed 15942875; PubMed 16247291.